The following is an entry in ClinVar:

ClinVar aggregate classification (germline): other (0 of 4 stars; one submission).

Conditions:
Familial colorectal cancer. Identifiers: MedGen CN280943, MONDO:0023113. Disease mechanism: loss of function.

gnomAD v4.1: 102 of 88,146 alleles (0.12%); highest among the groups gnomAD compares: South Asian, 0.92%; 8 homozygotes.

Submission:

Systems Biology Platform Zhejiang California International NanoSystems Institute
Classification: other for Familial colorectal cancer. Review status: no assertion criteria provided. Collection method: not provided. Allele origin: unknown.
ClinVar note: Converted during submission from cancer to other.

NM_000038.6(APC):c.1958+1012C>T

Gene: APC (APC regulator of WNT signaling pathway; plus strand). Cytogenetic location: 5q22.2.
Variant type: single nucleotide variant.
Coding change: c.1958+1012C>T on transcript NM_000038.6 (MANE Select); 1012 bases into the intron after coding-DNA position 1958, C replaced by T.
Molecular consequence: intron variant.
Genome position (GRCh38, 1-based): chr5:112,836,177, C>T. VCF-style: chr5-112836177-C-T. GRCh37 (hg19) VCF-style: chr5-112171874-C-T.
Other names: c.1958+1012C>T (NM_001354895.2, NM_001127510.3); c.1988+1012C>T (NM_001354897.2); c.1685+1012C>T (NM_001354902.2); c.1904+1012C>T (NM_001127511.3); c.1883+1012C>T (NM_001354898.2); c.1580+1012C>T (NM_001354904.2); c.1109+1012C>T (NM_001354906.2); c.2012+1012C>T (NM_001354896.2); and 5 more.
Identifiers: ClinVar variation 82624 (VCV000082624.2), dbSNP rs80012665, ClinGen allele CA006599.